The following is an entry in ClinVar:

ClinVar aggregate classification (germline): Uncertain significance. Review status: criteria provided, multiple submitters, no conflicts (2 of 4 stars). 2 submissions from 2 submitters: Uncertain significance (2). Last evaluated 2024-03-27.

Conditions:
Fanconi anemia (FA). Also called: Fanconi's anemia. Identifiers: Orphanet 84, MedGen C0015625, MeSH D005199, MONDO:0019391.

Allele frequency attached by ClinVar (database versions not stated): gnomAD exomes below 0.00001.
gnomAD v4.1: 1 of 1,613,956 alleles (0.000062%); highest among the groups gnomAD compares: Non-Finnish European, 0.000085%; no homozygotes.

Submissions (2):

Quest Diagnostics Nichols Institute San Juan Capistrano
Classification: Uncertain significance. Last evaluated: 2024-03-27. Review status: criteria provided, single submitter. Criteria: Quest Diagnostics criteria. Collection method: clinical testing. Allele origin: unknown.
Comment: The FANCC c.1294C>T (p.Pro432Ser) variant has been reported in the published literature in an individual with idiopathic cytopenia (PMID: 37216690 (2023)). This variant has not been reported in large, multi-ethnic general populations (Genome Aggregation Database). Analysis of this variant using bioinformatics tools for the prediction of the effect of amino acid changes on protein structure and function yielded predictions that this variant is damaging. Based on the available information, we are unable to determine the clinical significance of this variant.

Labcorp Genetics (formerly Invitae), Labcorp
Classification: Uncertain significance for Fanconi anemia. Last evaluated: 2022-01-04. Review status: criteria provided, single submitter. Criteria: Invitae Variant Classification Sherloc (09022015). Collection method: clinical testing. Allele origin: germline.
Comment: This variant has not been reported in the literature in individuals affected with FANCC-related conditions. In summary, the available evidence is currently insufficient to determine the role of this variant in disease. Therefore, it has been classified as a Variant of Uncertain Significance. Algorithms developed to predict the effect of missense changes on protein structure and function (SIFT, PolyPhen-2, Align-GVGD) all suggest that this variant is likely to be disruptive. ClinVar contains an entry for this variant (Variation ID: 1051550). This variant is not present in population databases (gnomAD no frequency). This sequence change replaces proline, which is neutral and non-polar, with serine, which is neutral and polar, at codon 432 of the FANCC protein (p.Pro432Ser).

Literature cited by the submitters: PubMed 37216690 (cited by Quest Diagnostics Nichols Institute San Juan Capistrano).

NM_000136.3(FANCC):c.1294C>T (p.Pro432Ser)

Genes: AOPEP (aminopeptidase O (putative); plus strand), FANCC (FA complementation group C; minus strand). Cytogenetic location: 9q22.32.
Variant type: single nucleotide variant.
Coding change: c.1294C>T on transcript NM_000136.3 (MANE Select); coding-DNA position 1294, C replaced by T.
Protein change: p.Pro432Ser; replaces proline 432 with serine.
Molecular consequence: missense variant.
Genome position (GRCh38, 1-based): chr9:95,111,498, G>A on the plus strand (C>T on the coding strand, the complement: FANCC is on the minus strand). VCF-style: chr9-95111498-G-A. GRCh37 (hg19) VCF-style: chr9-97873780-G-A.
Other names: c.1294C>T (NM_000136.2); c.1294C>T, p.Pro432Ser (NM_001243743.2, NM_001243744.2); short protein forms P432S.
Identifiers: ClinVar variation 1051550 (VCV001051550.11), dbSNP rs2134547266, ClinGen allele CA374107288.